The following is an entry in ClinVar:

NM_000489.6(ATRX):c.4354G>A (p.Glu1452Lys)

Gene: ATRX (ATRX chromatin remodeler; minus strand). Cytogenetic location: Xq21.1.
Variant type: single nucleotide variant.
Coding change: c.4354G>A on transcript NM_000489.6 (MANE Select); coding-DNA position 4354, G replaced by A.
Protein change: p.Glu1452Lys; replaces glutamic acid 1452 with lysine.
Molecular consequence: missense variant.
Genome position (GRCh38, 1-based): chrX:77,652,317, C>T on the plus strand (G>A on the coding strand, the complement: ATRX is on the minus strand). VCF-style: chrX-77652317-C-T. GRCh37 (hg19) VCF-style: chrX-76907807-C-T.
Other names: c.4240G>A, p.Glu1414Lys (NM_138270.5); short protein forms E1452K, E1414K.
Identifiers: ClinVar variation 4705635 (VCV004705635.1).

ClinVar aggregate classification (germline): Uncertain significance (1 of 4 stars; one submission).

Conditions:
Alpha thalassemia-X-linked intellectual disability syndrome (ATRX). Also called: ALPHA-THALASSEMIA/MENTAL RETARDATION SYNDROME, X-LINKED; ATR, NONDELETION TYPE; ATR-X syndrome; Alpha thalassemia mental retardation syndrome, nondeletion type, X-linked; XLMR hypotonic face syndrome; X-linked alpha-thalassemia-mental retardation syndrome. Identifiers: Orphanet 847, MedGen C1845055, MONDO:0010519, OMIM 301040.

Submission:

Labcorp Genetics (formerly Invitae), Labcorp
Classification: Uncertain significance for Alpha thalassemia-X-linked intellectual disability syndrome. Last evaluated: 2025-11-17. Review status: criteria provided, single submitter. Criteria: Invitae Variant Classification Sherloc (09022015). Collection method: clinical testing. Allele origin: germline.
Comment: This sequence change replaces glutamic acid, which is acidic and polar, with lysine, which is basic and polar, at codon 1452 of the ATRX protein (p.Glu1452Lys). This variant is not present in population databases (gnomAD no frequency). This variant has not been reported in the literature in individuals affected with ATRX-related conditions. Invitae Evidence Modeling of protein sequence and biophysical properties (such as structural, functional, and spatial information, amino acid conservation, physicochemical variation, residue mobility, and thermodynamic stability) indicates that this missense variant is not expected to disrupt ATRX protein function with a negative predictive value of 95%. In summary, the available evidence is currently insufficient to determine the role of this variant in disease. Therefore, it has been classified as a Variant of Uncertain Significance.